The following is an entry in ClinVar:

NM_018249.6(CDK5RAP2):c.865G>C (p.Glu289Gln)

Gene: CDK5RAP2 (CDK5 regulatory subunit associated protein 2; minus strand). Cytogenetic location: 9q33.2.
Variant type: single nucleotide variant.
Coding change: c.865G>C on transcript NM_018249.6 (MANE Select); coding-DNA position 865, G replaced by C.
Protein change: p.Glu289Gln; replaces glutamic acid 289 with glutamine.
Molecular consequence: missense variant. On other transcripts: non-coding transcript variant (5).
Genome position (GRCh38, 1-based): chr9:120,528,758, C>G on the plus strand (G>C on the coding strand, the complement: CDK5RAP2 is on the minus strand). VCF-style: chr9-120528758-C-G. GRCh37 (hg19) VCF-style: chr9-123291036-C-G.
Other names: c.865G>C, p.Glu289Gln (NM_001011649.3, NM_001272039.2); short protein forms E289Q.
Identifiers: ClinVar variation 21657 (VCV000021657.28), dbSNP rs4836822, ClinGen allele CA171598.

ClinVar aggregate classification (germline): Benign. Review status: criteria provided, multiple submitters, no conflicts (2 of 4 stars). 11 submissions from 11 submitters: Benign (7). 4 of the submissions do not count toward it. Last evaluated 2026-02-04.

Conditions:
Microcephaly 3, primary, autosomal recessive. Identifiers: Orphanet 2512, MedGen C1858108, MONDO:0011488, OMIM 604804.

Allele frequency attached by ClinVar (database versions not stated): 1000 Genomes Project 30x 0.80356; TOPMed 0.83121; gnomAD 0.84114 and 0.84217; ESP Exome Variant Server 0.84838; 1000 Genomes Project 0.80112; ExAC 0.87717; gnomAD exomes 0.87859 and 0.91244.
gnomAD v4.1: 1,453,779 of 1,606,270 alleles (91%); highest among the groups gnomAD compares: Non-Finnish European, 93%; 661,610 homozygotes.

Submissions (11):

Labcorp Genetics (formerly Invitae), Labcorp
Classification: Benign. Last evaluated: 2026-02-04. Review status: criteria provided, single submitter. Criteria: Invitae Variant Classification Sherloc (09022015). Collection method: clinical testing. Allele origin: germline.

Blueprint Genetics
Classification: Benign. Last evaluated: 2024-11-27. Review status: criteria provided, single submitter. Criteria: ACMG Guidelines, 2015. Collection method: clinical testing. Allele origin: germline.

Genome-Nilou Lab
Classification: Benign for Microcephaly 3, primary, autosomal recessive. Last evaluated: 2021-07-14. Review status: criteria provided, single submitter. Criteria: ACMG Guidelines, 2015. Collection method: clinical testing. Allele origin: germline. Affected: no.

Clinical Genetics DNA and cytogenetics Diagnostics Lab, Erasmus MC, Erasmus Medical Center
Classification: Benign for Microcephaly 3, primary, autosomal recessive. Last evaluated: 2017-05-31. Review status: criteria provided, single submitter. Criteria: ACGS Guidelines, 2013. Collection method: clinical testing. Allele origin: germline. Affected: yes. Study: VKGL Data-share Consensus.

GeneDx
Classification: Benign. Last evaluated: 2015-03-03. Review status: criteria provided, single submitter. Criteria: GeneDx Variant Classification Process June 2021. Collection method: clinical testing. Allele origin: germline. Affected: yes.

Breakthrough Genomics
Classification: Benign. Review status: criteria provided, single submitter. Criteria: ACMG Guidelines, 2015. Collection method: not provided. Allele origin: germline. Inheritance: Autosomal recessive inheritance. Affected: yes.

PreventionGenetics, part of Exact Sciences
Classification: Benign. Review status: criteria provided, single submitter. Criteria: ACMG Guidelines, 2015. Collection method: clinical testing. Allele origin: germline.

Diagnostic Laboratory, Department of Genetics, University Medical Center Groningen
Classification: Benign for Microcephaly 3, primary, autosomal recessive. Review status: no assertion criteria provided. Collection method: clinical testing. Allele origin: germline. Affected: yes. Study: VKGL Data-share Consensus. Not counted in ClinVar's aggregate classification.

GeneReviews
No classification provided. Condition: Microcephaly 3, primary, autosomal recessive. Review status: no classification provided. Collection method: literature only. Allele origin: unknown. Not counted in ClinVar's aggregate classification.

Genetic Services Laboratory, University of Chicago
Classification: Likely benign. Review status: no assertion criteria provided. Collection method: clinical testing. Allele origin: germline. Inheritance: Autosomal recessive inheritance. Not counted in ClinVar's aggregate classification.
Comment: Likely benign based on allele frequency in 1000 Genomes Project or ESP global frequency and its presence in a patient with a rare or unrelated disease phenotype. NOT Sanger confirmed

Joint Genome Diagnostic Labs from Nijmegen and Maastricht, Radboudumc and MUMC+
Classification: Benign. Review status: no assertion criteria provided. Collection method: clinical testing. Allele origin: germline. Affected: yes. Study: VKGL Data-share Consensus. Not counted in ClinVar's aggregate classification.

Literature cited by the submitters: PubMed 20301772 (cited by GeneReviews); NCBI Bookshelf NBK9587 (cited by GeneReviews).